The following is an entry in ClinVar:

NM_152703.5(SAMD9L):c.1525T>C (p.Tyr509His)

Gene: SAMD9L (sterile alpha motif domain containing 9 like; minus strand). Cytogenetic location: 7q21.2.
Variant type: single nucleotide variant.
Coding change: c.1525T>C on transcript NM_152703.5 (MANE Select); coding-DNA position 1525, T replaced by C.
Protein change: p.Tyr509His; replaces tyrosine 509 with histidine.
Molecular consequence: missense variant.
Genome position (GRCh38, 1-based): chr7:93,134,447, A>G on the plus strand (T>C on the coding strand, the complement: SAMD9L is on the minus strand). VCF-style: chr7-93134447-A-G. GRCh37 (hg19) VCF-style: chr7-92763760-A-G.
Other names: c.1525T>C (NM_152703.3, NM_152703.2); c.1525T>C, p.Tyr509His (NM_001303496.3, NM_001303497.3, NM_001303498.3 and 5 more transcripts); short protein forms Y509H.
Identifiers: ClinVar variation 2737720 (VCV002737720.5), dbSNP rs1214649309, ClinGen allele CA368195985.

ClinVar aggregate classification (germline): Uncertain significance. Review status: criteria provided, multiple submitters, no conflicts (2 of 4 stars). 3 submissions from 3 submitters: Uncertain significance (3). Last evaluated 2025-10-23.

Conditions:
Inborn genetic diseases. Identifiers: MedGen C0950123, MeSH D030342.

Allele frequency attached by ClinVar (database versions not stated): TOPMed below 0.00001; gnomAD exomes 0.00001.
gnomAD v4.1: 5 of 1,613,926 alleles (0.00031%); highest among the groups gnomAD compares: African/African-American, 0.0013%; no homozygotes.

Submissions (3):

Labcorp Genetics (formerly Invitae), Labcorp
Classification: Uncertain significance. Last evaluated: 2025-10-23. Review status: criteria provided, single submitter. Criteria: Invitae Variant Classification Sherloc (09022015). Collection method: clinical testing. Allele origin: germline.
Comment: This sequence change replaces tyrosine, which is neutral and polar, with histidine, which is basic and polar, at codon 509 of the SAMD9L protein (p.Tyr509His). This variant is present in population databases (no rsID available, gnomAD 0.0009%). This variant has not been reported in the literature in individuals affected with SAMD9L-related conditions. ClinVar contains an entry for this variant (Variation ID: 2737720). An algorithm developed to predict the effect of missense changes on protein structure and function outputs the following: PolyPhen-2: "Benign". The histidine amino acid residue is found in multiple mammalian species, which suggests that this missense change does not adversely affect protein function. In summary, the available evidence is currently insufficient to determine the role of this variant in disease. Therefore, it has been classified as a Variant of Uncertain Significance.

Ambry Genetics
Classification: Uncertain significance for Inborn genetic diseases. Last evaluated: 2024-12-20. Review status: criteria provided, single submitter. Criteria: Ambry Variant Classification Scheme 2023. Collection method: clinical testing. Allele origin: germline.
Comment: The p.Y509H variant (also known as c.1525T>C), located in coding exon 1 of the SAMD9L gene, results from a T to C substitution at nucleotide position 1525. The tyrosine at codon 509 is replaced by histidine, an amino acid with similar properties. This amino acid position is conserved. In addition, this alteration is predicted to be tolerated by in silico analysis. Based on the available evidence, the clinical significance of this variant remains unclear.

GeneDx
Classification: Uncertain significance. Last evaluated: 2023-12-27. Review status: criteria provided, single submitter. Criteria: GeneDx Variant Classification Process June 2021. Collection method: clinical testing. Allele origin: germline. Affected: yes.
Comment: Not observed at significant frequency in large population cohorts (gnomAD); In silico analysis supports that this missense variant does not alter protein structure/function; Has not been previously published as pathogenic or benign to our knowledge; This variant is associated with the following publications: (PMID: 28545555)